The following is an entry in ClinVar:

ClinVar aggregate classification (germline): Uncertain significance. Review status: criteria provided, multiple submitters, no conflicts (2 of 4 stars). 2 submissions from 2 submitters: Uncertain significance (2). Last evaluated 2024-05-06.

Conditions:
Familial thoracic aortic aneurysm and aortic dissection (TAAD). Also called: Thoracic aortic aneurysms and dissections. Identifiers: Orphanet 91387, MedGen C4707243, MONDO:0019625.
Hereditary cancer-predisposing syndrome. Also called: Neoplastic Syndromes, Hereditary; Hereditary Cancer Syndrome; Hereditary neoplastic syndrome; Tumor predisposition. Identifiers: Orphanet 140162, MedGen C0027672, MeSH D009386, MONDO:0015356.
Juvenile polyposis syndrome (JPS). Identifiers: Orphanet 2929, MedGen C0345893, MONDO:0017380, OMIM 174900.

Submissions (2):

Labcorp Genetics (formerly Invitae), Labcorp
Classification: Uncertain significance for Juvenile polyposis syndrome. Last evaluated: 2024-05-06. Review status: criteria provided, single submitter. Criteria: Invitae Variant Classification Sherloc (09022015). Collection method: clinical testing. Allele origin: germline.
Comment: This sequence change replaces cysteine, which is neutral and slightly polar, with arginine, which is basic and polar, at codon 391 of the SMAD4 protein (p.Cys391Arg). This variant is not present in population databases (gnomAD no frequency). This variant has not been reported in the literature in individuals affected with SMAD4-related conditions. ClinVar contains an entry for this variant (Variation ID: 2189035). Advanced modeling of protein sequence and biophysical properties (such as structural, functional, and spatial information, amino acid conservation, physicochemical variation, residue mobility, and thermodynamic stability) has been performed at Invitae for this missense variant, however the output from this modeling did not meet the statistical confidence thresholds required to predict the impact of this variant on SMAD4 protein function. In summary, the available evidence is currently insufficient to determine the role of this variant in disease. Therefore, it has been classified as a Variant of Uncertain Significance.

Ambry Genetics
Classification: Uncertain significance for Hereditary cancer-predisposing syndrome; Familial thoracic aortic aneurysm and aortic dissection. Last evaluated: 2023-11-10. Review status: criteria provided, single submitter. Criteria: Ambry Variant Classification Scheme 2023. Collection method: clinical testing. Allele origin: germline.
Comment: The p.C391R variant (also known as c.1171T>C), located in coding exon 9 of the SMAD4 gene, results from a T to C substitution at nucleotide position 1171. The cysteine at codon 391 is replaced by arginine, an amino acid with highly dissimilar properties. This amino acid position is conserved. In addition, this alteration is predicted to be deleterious by in silico analysis. Since supporting evidence is limited at this time, the clinical significance of this alteration remains unclear.

NM_005359.6(SMAD4):c.1171T>C (p.Cys391Arg)

Gene: SMAD4 (SMAD family member 4; plus strand). Cytogenetic location: 18q21.2.
Variant type: single nucleotide variant.
Coding change: c.1171T>C on transcript NM_005359.6 (MANE Select); coding-DNA position 1171, T replaced by C.
Protein change: p.Cys391Arg; replaces cysteine 391 with arginine.
Molecular consequence: missense variant.
Genome position (GRCh38, 1-based): chr18:51,067,050, T>C. VCF-style: chr18-51067050-T-C. GRCh37 (hg19) VCF-style: chr18-48593420-T-C.
Other names: c.1171T>C, p.Cys391Arg (NM_001407041.1, NM_001407042.1); short protein forms C391R.
Identifiers: ClinVar variation 2189035 (VCV002189035.5), dbSNP rs2144451913, ClinGen allele CA402464771.
Genomic context (GRCh38, chr18:51,067,050, plus strand): 5'-TAAAATGTAATTTCTTTTTTCTTCCTAAGGTTGCACATAGGCAAAGGTGTGCAGTTGGAA[T>C]GTAAAGGTGAAGGTGATGTTTGGGTCAGGTGCCTTAGTGACCACGCGGTCTTTGTACAGA-3'
Protein context (NP_005350.1, residues 381-401): LHIGKGVQLE[Cys391Arg]KGEGDVWVRC